The following is an entry in ClinVar:

NM_000271.5(NPC1):c.2953_2954insT (p.Glu985fs)

Gene: NPC1 (NPC intracellular cholesterol transporter 1; minus strand). Cytogenetic location: 18q11.2.
Variant type: Insertion.
Coding change: c.2953_2954insT on transcript NM_000271.5 (MANE Select); coding-DNA positions 2953 to 2954, T inserted.
Protein change: p.Glu985fs; shifts the reading frame from glutamic acid 985.
Molecular consequence: frameshift variant.
Genome position: GRCh38 VCF-style: chr18-23538629-T-TA. GRCh37 (hg19) VCF-style: chr18-21118593-T-TA.
Other names: short protein forms E985fs.
Identifiers: ClinVar variation 1442637 (VCV001442637.8), dbSNP rs2145366898, ClinGen allele CA2573155197.

ClinVar aggregate classification (germline): Pathogenic/Likely pathogenic. Review status: criteria provided, multiple submitters, no conflicts (2 of 4 stars). 2 submissions from 2 submitters: Pathogenic (1); Likely pathogenic (1). Last evaluated 2022-03-02.

Conditions:
Niemann-Pick disease, type C1. Also called: NIEMANN-PICK DISEASE, VARIANT TYPE C1; NEUROVISCERAL STORAGE DISEASE WITH VERTICAL SUPRANUCLEAR OPHTHALMOPLEGIA; NIEMANN-PICK DISEASE WITH CHOLESTEROL ESTERIFICATION BLOCK; NIEMANN-PICK DISEASE WITHOUT SPHINGOMYELINASE DEFICIENCY; NIEMANN-PICK DISEASE, CHRONIC NEURONOPATHIC FORM. Identifiers: Orphanet 646, MedGen C3179455, MONDO:0009757, OMIM 257220.

Submissions (2):

Myriad Genetics, Inc.
Classification: Likely pathogenic for Niemann-Pick disease, type C1. Last evaluated: 2022-03-02. Review status: criteria provided, single submitter. Criteria: Myriad Women's Health Autosomal Recessive and X-Linked Classification Criteria (2021). Collection method: clinical testing. Allele origin: unknown.
Comment: NM_000271.4(NPC1):c.2953_2954insT(E985Vfs*22) is expected to be pathogenic in the context of Niemann-Pick disease type C1. This variant is predicted to lead to an abnormal or absent protein product due to the creation of a premature termination codon in NPC1, a gene where loss-of-function variants are known to be pathogenic. Please note: this variant was assessed in the context of healthy population screening.

Labcorp Genetics (formerly Invitae), Labcorp
Classification: Pathogenic for Niemann-Pick disease, type C1. Last evaluated: 2022-02-17. Review status: criteria provided, single submitter. Criteria: Invitae Variant Classification Sherloc (09022015). Collection method: clinical testing. Allele origin: germline.
Comment: Algorithms developed to predict the effect of sequence changes on RNA splicing suggest that this variant may disrupt the consensus splice site. For these reasons, this variant has been classified as Pathogenic. This variant has not been reported in the literature in individuals affected with NPC1-related conditions. This variant is not present in population databases (gnomAD no frequency). This sequence change creates a premature translational stop signal (p.Glu985Valfs*22) in the NPC1 gene. It is expected to result in an absent or disrupted protein product. Loss-of-function variants in NPC1 are known to be pathogenic (PMID: 9211850).

Literature cited by the submitters: PubMed 9211850 (cited by Labcorp Genetics (formerly Invitae), Labcorp).